The following is an entry in ClinVar:

NM_002335.4(LRP5):c.4292C>T (p.Pro1431Leu)

Gene: LRP5 (LDL receptor related protein 5; plus strand). Cytogenetic location: 11q13.2.
Variant type: single nucleotide variant.
Coding change: c.4292C>T on transcript NM_002335.4 (MANE Select); coding-DNA position 4292, C replaced by T.
Protein change: p.Pro1431Leu; replaces proline 1431 with leucine.
Molecular consequence: missense variant.
Genome position (GRCh38, 1-based): chr11:68,438,626, C>T. VCF-style: chr11-68438626-C-T. GRCh37 (hg19) VCF-style: chr11-68206094-C-T.
Other names: c.2549C>T, p.Pro850Leu (NM_001291902.2); c.4292C>T (NM_002335.2); short protein forms P1431L, P850L.
Identifiers: ClinVar variation 947911 (VCV000947911.10), dbSNP rs561503730, ClinGen allele CA6150306.

ClinVar aggregate classification (germline): Uncertain significance. Review status: criteria provided, multiple submitters, no conflicts (2 of 4 stars). 3 submissions from 3 submitters: Uncertain significance (3). Last evaluated 2025-10-14.

Conditions:
Exudative vitreoretinopathy 4 (EVR4). Identifiers: Orphanet 891, MedGen C1866176, MONDO:0011151, OMIM 601813.
Osteoporosis with pseudoglioma (OPPG). Also called: osteoporosis-pseudoglioma syndrome. Identifiers: Orphanet 2788, MedGen C0432252, MONDO:0009820, OMIM 259770.
Autosomal dominant osteopetrosis 1 (OPTA1). Also called: OSTEOPETROSIS, AUTOSOMAL DOMINANT, TYPE I. Identifiers: Orphanet 2783, MedGen C1843330, MONDO:0011877, OMIM 607634.
Bone mineral density quantitative trait locus 1 (BMND1). Identifiers: MedGen C1866079, OMIM 601884.
Worth disease. Also called: Autosomal dominant osteosclerosis, Worth type; ENDOSTEAL HYPEROSTOSIS, AUTOSOMAL DOMINANT; OSTEOSCLEROSIS, AUTOSOMAL DOMINANT. Identifiers: Orphanet 2790, MedGen C0432273, MONDO:0007764, OMIM 144750.
Polycystic liver disease 4 with or without kidney cysts. Identifiers: MedGen C4693479, MONDO:0044327, OMIM 617875.
Inborn genetic diseases. Identifiers: MedGen C0950123, MeSH D030342.

Allele frequency attached by ClinVar (database versions not stated): gnomAD exomes 0.00001; TOPMed 0.00001; ExAC 0.00002; gnomAD 0.00004; 1000 Genomes Project 30x 0.00016; 1000 Genomes Project 0.00020.
gnomAD v4.1: 18 of 1,613,632 alleles (0.0011%); highest among the groups gnomAD compares: African/African-American, 0.0067%; no homozygotes.

Submissions (3):

Labcorp Genetics (formerly Invitae), Labcorp
Classification: Uncertain significance. Last evaluated: 2025-10-14. Review status: criteria provided, single submitter. Criteria: Invitae Variant Classification Sherloc (09022015). Collection method: clinical testing. Allele origin: germline.
Comment: This sequence change replaces proline, which is neutral and non-polar, with leucine, which is neutral and non-polar, at codon 1431 of the LRP5 protein (p.Pro1431Leu). This variant is present in population databases (rs561503730, gnomAD 0.02%). This variant has not been reported in the literature in individuals affected with LRP5-related conditions. ClinVar contains an entry for this variant (Variation ID: 947911). Invitae Evidence Modeling of protein sequence and biophysical properties (such as structural, functional, and spatial information, amino acid conservation, physicochemical variation, residue mobility, and thermodynamic stability) indicates that this missense variant is not expected to disrupt LRP5 protein function with a negative predictive value of 95%. In summary, the available evidence is currently insufficient to determine the role of this variant in disease. Therefore, it has been classified as a Variant of Uncertain Significance.

Fulgent Genetics
Classification: Uncertain significance for Worth disease; Osteoporosis with pseudoglioma; Exudative vitreoretinopathy 4; Bone mineral density quantitative trait locus 1; Autosomal dominant osteopetrosis 1; Polycystic liver disease 4 with or without kidney cysts. Last evaluated: 2024-01-22. Review status: criteria provided, single submitter. Criteria: ACMG Guidelines, 2015. Collection method: clinical testing. Allele origin: germline.

Ambry Genetics
Classification: Uncertain significance for Inborn genetic diseases. Last evaluated: 2021-10-06. Review status: criteria provided, single submitter. Criteria: Ambry Variant Classification Scheme 2023. Collection method: clinical testing. Allele origin: germline.